The following is an entry in ClinVar:

ClinVar aggregate classification (germline): Uncertain significance. Review status: criteria provided, multiple submitters, no conflicts (2 of 4 stars). 3 submissions from 3 submitters: Uncertain significance (3). Last evaluated 2026-02-10.

Conditions:
Intellectual disability, CASK-related, X-linked. Identifiers: MedGen CN043158.

Allele frequency attached by ClinVar (database versions not stated): gnomAD exomes below 0.00001 and 0.00002; ExAC 0.00001; gnomAD 0.00001; TOPMed 0.00002.
gnomAD v4.1: 5 of 1,209,699 alleles (0.00041%); highest among the groups gnomAD compares: Admixed American, 0.0087%; no homozygotes.

Submissions (3):

Women's Health and Genetics/Laboratory Corporation of America, LabCorp
Classification: Uncertain significance. Last evaluated: 2026-02-10. Review status: criteria provided, single submitter. Criteria: LabCorp Variant Classification Summary - May 2015. Collection method: clinical testing. Allele origin: germline.
Comment: Variant summary: CASK c.2474G>A (p.Gly825Glu) results in a non-conservative amino acid change in the encoded protein sequence. Algorithms developed to predict the effect of missense changes on protein structure and function are either unavailable or do not agree on the potential impact of this missense change. The variant allele was found at a frequency of 1.6e-05 in 183403 control chromosomes. The available data on variant occurrences in the general population are insufficient to allow any conclusion about variant significance. To our knowledge, no occurrence of c.2474G>A in individuals affected with CASK-related conditions and no experimental evidence demonstrating its impact on protein function have been reported. ClinVar contains an entry for this variant (Variation ID: 1204593). Based on the evidence outlined above, the variant was classified as uncertain significance.

Labcorp Genetics (formerly Invitae), Labcorp
Classification: Uncertain significance for Intellectual disability, CASK-related, X-linked. Last evaluated: 2023-06-27. Review status: criteria provided, single submitter. Criteria: Invitae Variant Classification Sherloc (09022015). Collection method: clinical testing. Allele origin: germline.
Comment: Advanced modeling of protein sequence and biophysical properties (such as structural, functional, and spatial information, amino acid conservation, physicochemical variation, residue mobility, and thermodynamic stability) has been performed at Invitae for this missense variant, however the output from this modeling did not meet the statistical confidence thresholds required to predict the impact of this variant on CASK protein function. In summary, the available evidence is currently insufficient to determine the role of this variant in disease. Therefore, it has been classified as a Variant of Uncertain Significance. ClinVar contains an entry for this variant (Variation ID: 1204593). This variant has not been reported in the literature in individuals affected with CASK-related conditions. This variant is present in population databases (rs774433205, gnomAD 0.01%). This sequence change replaces glycine, which is neutral and non-polar, with glutamic acid, which is acidic and polar, at codon 825 of the CASK protein (p.Gly825Glu).

GeneDx
Classification: Uncertain significance. Last evaluated: 2020-07-16. Review status: criteria provided, single submitter. Criteria: GeneDx Variant Classification Process June 2021. Collection method: clinical testing. Allele origin: germline. Affected: yes.
Comment: In silico analysis supports that this missense variant has a deleterious effect on protein structure/function; Has not been previously published as pathogenic or benign to our knowledge

NM_001367721.1(CASK):c.2489G>A (p.Gly830Glu)

Gene: CASK (calcium/calmodulin dependent serine protein kinase; minus strand). Cytogenetic location: Xp11.4.
Variant type: single nucleotide variant.
Coding change: c.2489G>A on transcript NM_001367721.1 (MANE Select); coding-DNA position 2489, G replaced by A.
Protein change: p.Gly830Glu; replaces glycine 830 with glutamic acid.
Molecular consequence: missense variant.
Genome position (GRCh38, 1-based): chrX:41,531,038, C>T on the plus strand (G>A on the coding strand, the complement: CASK is on the minus strand). VCF-style: chrX-41531038-C-T. GRCh37 (hg19) VCF-style: chrX-41390291-C-T.
Other names: c.2405G>A, p.Gly802Glu (NM_001126054.3); c.2402G>A, p.Gly801Glu (NM_001126055.3); c.2471G>A, p.Gly824Glu (NM_001410745.1); c.2474G>A, p.Gly825Glu (NM_003688.4); short protein forms G801E, G802E, G825E, G830E, G824E.
Identifiers: ClinVar variation 1204593 (VCV001204593.12), dbSNP rs774433205, ClinGen allele CA10390015.